The following is an entry in ClinVar:

NM_024721.5(ZFHX4):c.6877G>C (p.Asp2293His)

Gene: ZFHX4 (zinc finger homeobox 4; plus strand). Cytogenetic location: 8q21.13.
Variant type: single nucleotide variant.
Coding change: c.6877G>C on transcript NM_024721.5 (MANE Select); coding-DNA position 6877, G replaced by C.
Protein change: p.Asp2293His; replaces aspartic acid 2293 with histidine.
Molecular consequence: missense variant.
Genome position (GRCh38, 1-based): chr8:76,853,798, G>C. VCF-style: chr8-76853798-G-C. GRCh37 (hg19) VCF-style: chr8-77766034-G-C.
Other names: c.6799G>C, p.Asp2267His (NM_001410934.1); short protein forms D2267H, D2293H.
Identifiers: ClinVar variation 4879210 (VCV004879210.1).

ClinVar aggregate classification (germline): Uncertain significance (1 of 4 stars; one submission).

Conditions:
ZFHX4-related disorder. Also called: ZFHX4-related condition.

Submission:

Clinical Genomics Laboratory, Washington University in St. Louis
Classification: Uncertain significance for ZFHX4-related disorder. Last evaluated: 2026-01-10. Review status: criteria provided, single submitter. Criteria: ACMG Guidelines, 2015. Collection method: clinical testing. Allele origin: germline.
Comment: The ZFHX4 c.6877G>C (p.Asp2293His) variant, to our knowledge, has not been reported in the medical literature. This variant is absent from the general population (gnomAD v2.1.1), indicating it is not a common variant. Computational predictors are uncertain as to the impact of this variant on ZFHX4 function. Due to limited information, and based on ACMG/AMP guidelines for variant interpretation (Richards S et al., PMID: 25741868), the clinical significance of this variant is uncertain at this time.

Literature cited by the submitters: PubMed 29463886; PubMed 34461323; PubMed 21802062; PubMed 39148819; PubMed 24038936.